The following is an entry in ClinVar:

NM_003079.5(SMARCE1):c.1dup (p.Met1fs)

Gene: SMARCE1 (SWI/SNF related BAF chromatin remodeling complex subunit E1; minus strand). Cytogenetic location: 17q21.2.
Variant type: Duplication.
Coding change: c.1dup on transcript NM_003079.5 (MANE Select); coding-DNA position 1, one base duplicated (A; older notation c.1dupA).
Protein change: p.Met1fs; shifts the reading frame from methionine 1.
Molecular consequence: frameshift variant, initiator codon variant.
Genome position (GRCh38, 1-based): chr17:40,645,802, T duplicated on the plus strand (A on the coding strand, the reverse complement: SMARCE1 is on the minus strand); the first of 4 consecutive T bases (chr17:40,645,802-40,645,805); duplicating any one gives the same sequence. VCF-style (leftmost placement, unchanged base first): chr17-40645801-A-AT. GRCh37 (hg19) VCF-style: chr17-38802053-A-AT.
Other names: c.1dupA (NM_003079.4); short protein forms M1fs.
Identifiers: ClinVar variation 1496403 (VCV001496403.10), dbSNP rs2144015619, ClinGen allele CA2573153730.

ClinVar aggregate classification (germline): Uncertain significance. Review status: criteria provided, multiple submitters, no conflicts (2 of 4 stars). 2 submissions from 2 submitters: Uncertain significance (2). Last evaluated 2025-09-01.

Conditions:
Hereditary cancer-predisposing syndrome. Also called: Tumor predisposition; Hereditary neoplastic syndrome; Neoplastic Syndromes, Hereditary; Hereditary Cancer Syndrome. Identifiers: Orphanet 140162, MedGen C0027672, MeSH D009386, MONDO:0015356.
Familial meningioma. Also called: Meningioma, familial, susceptibility to. Identifiers: Orphanet 263662, MedGen C3551915, MONDO:0011789, OMIM 607174.

Submissions (2):

Labcorp Genetics (formerly Invitae), Labcorp
Classification: Uncertain significance for Familial meningioma. Last evaluated: 2025-09-01. Review status: criteria provided, single submitter. Criteria: Invitae Variant Classification Sherloc (09022015). Collection method: clinical testing. Allele origin: germline.
Comment: This variant occurs in a non-coding region of the SMARCE1 gene. It does not change the encoded amino acid sequence of the SMARCE1 protein. This variant is not present in population databases (gnomAD no frequency). This variant has not been reported in the literature in individuals affected with SMARCE1-related conditions. ClinVar contains an entry for this variant (Variation ID: 1496403). Experimental studies and prediction algorithms are not available or were not evaluated, and the functional significance of this variant is currently unknown. In summary, the available evidence is currently insufficient to determine the role of this variant in disease. Therefore, it has been classified as a Variant of Uncertain Significance.

Ambry Genetics
Classification: Uncertain significance for Hereditary cancer-predisposing syndrome. Last evaluated: 2023-11-17. Review status: criteria provided, single submitter. Criteria: Ambry Variant Classification Scheme 2023. Collection method: clinical testing. Allele origin: germline.
Comment: The c.1dupA variant, located in coding exon 1 of the SMARCE1 gene, results from a duplication of A at nucleotide position 1. This variant which falls within a string of multiple adenine residues could arbitrarily result from duplication of any of the adenine nucleotides from c.-3 to c.1 and as a result may or may-not alter the methionine residue at the initiation codon (p.M1?). Since supporting evidence is limited at this time, the clinical significance of this alteration remains unclear